The following is an entry in ClinVar:

ClinVar aggregate classification (germline): Pathogenic. Review status: criteria provided, multiple submitters, no conflicts (2 of 4 stars). 2 submissions from 2 submitters: Pathogenic (2). Last evaluated 2025-10-09.

Conditions:
Glycogen storage disease IV, classic hepatic. Also called: GSD IV, CLASSIC HEPATIC. Identifiers: MedGen C1856301.
Glycogen storage disease, type IV (GSD4). Also called: Glycogen storage disease due to glycogen branching enzyme deficiency; BRANCHER DEFICIENCY; AMYLOPECTINOSIS; ANDERSEN DISEASE; CIRRHOSIS, FAMILIAL, WITH DEPOSITION OF ABNORMAL GLYCOGEN; GBE1 DEFICIENCY. Identifiers: Orphanet 367, MedGen C0017923, MONDO:0009292, OMIM 232500.

Submissions (2):

Natera, Inc.
Classification: Pathogenic for Glycogen storage disease type IV. Last evaluated: 2025-10-09. Review status: criteria provided, single submitter. Criteria: Natera Variant Classification Schema (03/2026). Collection method: clinical testing. Allele origin: germline.
Comment: The c.691+1G>T variant in GBE1 is a canonical splice donor site variant predicted to affect pre-mRNA splicing, which may result in an abnormal transcript and altered protein product. This variant is expected to result in nonsense mediated decay, truncation, or a dysfunctional protein product. This variant is rare in the general population with a frequency below the threshold expected for the associated phenotype(s). Another variant at this same site results in an alteration predicted to cause a similar molecular effect has been observed in individual(s) with the associated phenotype. Given the available evidence, this variant is classified as Pathogenic.

Labcorp Genetics (formerly Invitae), Labcorp
Classification: Pathogenic for Glycogen storage disease, type IV; Glycogen storage disease IV, classic hepatic. Last evaluated: 2022-06-09. Review status: criteria provided, single submitter. Criteria: Invitae Variant Classification Sherloc (09022015). Collection method: clinical testing. Allele origin: germline.
Comment: Algorithms developed to predict the effect of sequence changes on RNA splicing suggest that this variant may disrupt the consensus splice site. For these reasons, this variant has been classified as Pathogenic. Disruption of this splice site has been observed in individual(s) with glycogen storage disease type IV (PMID: 23218673). It has also been observed to segregate with disease in related individuals. This variant is not present in population databases (gnomAD no frequency). This sequence change affects a donor splice site in intron 5 of the GBE1 gene. It is expected to disrupt RNA splicing. Variants that disrupt the donor or acceptor splice site typically lead to a loss of protein function (PMID: 16199547), and loss-of-function variants in GBE1 are known to be pathogenic (PMID: 15452297, 20058079).

Literature cited by the submitters: PubMed 23218673 (cited by Labcorp Genetics (formerly Invitae), Labcorp); PubMed 16199547 (cited by Labcorp Genetics (formerly Invitae), Labcorp); PubMed 15452297 (cited by Labcorp Genetics (formerly Invitae), Labcorp); PubMed 20058079 (cited by Labcorp Genetics (formerly Invitae), Labcorp).

NM_000158.4(GBE1):c.691+1G>T

Gene: GBE1 (1,4-alpha-glucan branching enzyme 1; minus strand). Cytogenetic location: 3p12.2.
Variant type: single nucleotide variant.
Coding change: c.691+1G>T on transcript NM_000158.4 (MANE Select); the canonical splice donor site of the intron after coding-DNA position 691, G replaced by T.
Molecular consequence: splice donor variant.
Genome position (GRCh38, 1-based): chr3:81,648,855, C>A on the plus strand (G>T on the coding strand, the complement: GBE1 is on the minus strand). VCF-style: chr3-81648855-C-A. GRCh37 (hg19) VCF-style: chr3-81698006-C-A.
Other names: c.691+1G>T (NM_000158.3).
Identifiers: ClinVar variation 2002203 (VCV002002203.5), dbSNP rs2471826054, ClinGen allele CA353688210.
Genomic context (GRCh38, chr3:81,648,855, plus strand): 5'-TCTAATAAGAGAACAGACTCATTAAAATTTTATCTGAATAAAAATCACAGTTATTACTTA[C>A]CAAGGCCTTTGATTCTTGGTAGTACATTGCATGTAAAATGTTTATAAGAAGCTACTTTTC-3'